The following is an entry in ClinVar:

NR_109851.1(LINC-PINT):n.1264+826C>T

Gene: LINC-PINT (long intergenic non-protein coding RNA, p53 induced transcript; minus strand). Cytogenetic location: 7q32.3.
Variant type: single nucleotide variant.
Molecular consequence: non-coding transcript variant (on NR_024153.2). On other transcripts: intron variant (1).
Genome position: GRCh38 VCF-style: chr7-131106894-G-A. GRCh37 (hg19) VCF-style: chr7-130791653-G-A.
Identifiers: ClinVar variation 3059947 (VCV003059947.2), dbSNP rs3800567, ClinGen allele CA15500430.

ClinVar aggregate classification (germline): Benign (0 of 4 stars; one submission).

Conditions:
LINC-PINT-related disorder. Also called: LINC-PINT-related condition.

Allele frequency attached by ClinVar (database versions not stated): gnomAD exomes 0.08125; TOPMed 0.10294; gnomAD 0.10841; 1000 Genomes Project 30x 0.12008; 1000 Genomes Project 0.12839.

Submission:

PreventionGenetics, part of Exact Sciences
Classification: Benign for LINC-PINT-related condition. Last evaluated: 2019-07-26. Review status: no assertion criteria provided. Collection method: clinical testing. Allele origin: germline.
Comment: This variant is classified as benign based on ACMG/AMP sequence variant interpretation guidelines (Richards et al. 2015 PMID: 25741868, with internal and published modifications).